The following is an entry in ClinVar:

NM_139276.3(STAT3):c.618G>A (p.Met206Ile)

Gene: STAT3 (signal transducer and activator of transcription 3; minus strand). Cytogenetic location: 17q21.2.
Variant type: single nucleotide variant.
Coding change: c.618G>A on transcript NM_139276.3 (MANE Select); coding-DNA position 618, G replaced by A.
Protein change: p.Met206Ile; replaces methionine 206 with isoleucine.
Molecular consequence: missense variant.
Genome position (GRCh38, 1-based): chr17:42,337,790, C>T on the plus strand (G>A on the coding strand, the complement: STAT3 is on the minus strand). VCF-style: chr17-42337790-C-T. GRCh37 (hg19) VCF-style: chr17-40489808-C-T.
Other names: c.618G>A, p.Met206Ile (NM_001369512.1, NM_001369513.1, NM_001369514.1 and 15 more transcripts); c.540G>A, p.Met180Ile (NM_001384985.1); c.522G>A, p.Met174Ile (NM_001384989.1); short protein forms M174I, M180I, M206I.
Identifiers: ClinVar variation 1058933 (VCV001058933.9), dbSNP rs2144878076, ClinGen allele CA399594166.

ClinVar aggregate classification (germline): Uncertain significance (1 of 4 stars; one submission).

Conditions:
STAT3 gain of function. Identifiers: MedGen C4288261.
Hyper-IgE recurrent infection syndrome 1, autosomal dominant. Also called: JOB SYNDROME; STAT3 Hyper IgE Syndrome; Job's Syndrome; Hyper-IgE recurrent infection syndrome 1; HYPER-IgE SYNDROME 1, AUTOSOMAL DOMINANT, WITH RECURRENT INFECTIONS. Identifiers: Orphanet 2314, MedGen C2936739, MONDO:0007818, OMIM 147060.

Submission:

Labcorp Genetics (formerly Invitae), Labcorp
Classification: Uncertain significance for STAT3 gain of function; Hyper-IgE recurrent infection syndrome 1, autosomal dominant. Last evaluated: 2022-07-11. Review status: criteria provided, single submitter. Criteria: Invitae Variant Classification Sherloc (09022015). Collection method: clinical testing. Allele origin: germline.
Comment: This sequence change replaces methionine, which is neutral and non-polar, with isoleucine, which is neutral and non-polar, at codon 206 of the STAT3 protein (p.Met206Ile). In summary, the available evidence is currently insufficient to determine the role of this variant in disease. Therefore, it has been classified as a Variant of Uncertain Significance. Algorithms developed to predict the effect of missense changes on protein structure and function are either unavailable or do not agree on the potential impact of this missense change (SIFT: "Tolerated"; PolyPhen-2: "Possibly Damaging"; Align-GVGD: "Class C0"). ClinVar contains an entry for this variant (Variation ID: 1058933). This variant has not been reported in the literature in individuals affected with STAT3-related conditions. This variant is not present in population databases (gnomAD no frequency).